The following is an entry in ClinVar:

NM_138694.4(PKHD1):c.5999C>G (p.Ser2000Cys)

Gene: PKHD1 (PKHD1 ciliary IPT domain containing fibrocystin/polyductin; minus strand). Cytogenetic location: 6p12.2.
Variant type: single nucleotide variant.
Coding change: c.5999C>G on transcript NM_138694.4 (MANE Select); coding-DNA position 5999, C replaced by G.
Protein change: p.Ser2000Cys; replaces serine 2000 with cysteine.
Molecular consequence: missense variant.
Genome position (GRCh38, 1-based): chr6:51,934,232, G>C on the plus strand (C>G on the coding strand, the complement: PKHD1 is on the minus strand). VCF-style: chr6-51934232-G-C. GRCh37 (hg19) VCF-style: chr6-51799030-G-C.
Other names: c.5999C>G, p.Ser2000Cys (NM_170724.3); short protein forms S2000C.
Identifiers: ClinVar variation 3933105 (VCV003933105.2).

ClinVar aggregate classification (germline): Uncertain significance (1 of 4 stars; one submission).

Conditions:
Inborn genetic diseases. Identifiers: MedGen C0950123, MeSH D030342.

gnomAD v4.1: 2 of 1,613,752 alleles (0.00012%); highest among the groups gnomAD compares: Non-Finnish European, 0.00017%; no homozygotes.

Submission:

Ambry Genetics
Classification: Uncertain significance for Inborn genetic diseases. Last evaluated: 2025-07-02. Review status: criteria provided, single submitter. Criteria: Ambry Variant Classification Scheme 2023. Collection method: clinical testing. Allele origin: germline.
Comment: The c.5999C>G (p.S2000C) alteration is located in exon 37 (coding exon 36) of the PKHD1 gene. This alteration results from a C to G substitution at nucleotide position 5999, causing the serine (S) at amino acid position 2000 to be replaced by a cysteine (C). This variant was not reported in population-based cohorts in the Genome Aggregation Database (gnomAD). This amino acid position is well conserved in available vertebrate species. This alteration is predicted to be deleterious by in silico analysis. Based on insufficient or conflicting evidence, the clinical significance of this alteration remains unclear.